The following is an entry in ClinVar:

ClinVar aggregate classification (germline): Likely benign. Review status: criteria provided, multiple submitters, no conflicts (2 of 4 stars). 7 submissions from 7 submitters: Likely benign (7). Last evaluated 2026-09-01.

Conditions:
Hereditary cancer-predisposing syndrome. Also called: Hereditary neoplastic syndrome; Tumor predisposition; Neoplastic Syndromes, Hereditary; Hereditary Cancer Syndrome. Identifiers: Orphanet 140162, MedGen C0027672, MeSH D009386, MONDO:0015356.
Neurofibromatosis, type 2 (SWNV). Also called: SCHWANNOMATOSIS, VESTIBULAR; BILATERAL ACOUSTIC NEUROFIBROMATOSIS; NF2-Related Schwannomatosis. Identifiers: Orphanet 637, MedGen C0027832, MONDO:0007039, OMIM 101000. Disease mechanism: loss of function.

Allele frequency attached by ClinVar (database versions not stated): gnomAD exomes 0.00008; TOPMed 0.00008; gnomAD 0.00009; ExAC 0.00015; ESP Exome Variant Server 0.00015.
gnomAD v4.1: 135 of 1,606,600 alleles (0.0084%); highest among the groups gnomAD compares: Middle Eastern, 0.05%; no homozygotes.

Submissions (7):

CeGaT Center for Human Genetics Tuebingen
Classification: Likely benign. Last evaluated: 2026-09-01. Review status: criteria provided, single submitter. Criteria: CeGaT Center For Human Genetics Tuebingen Variant Classification Criteria Version 2. Collection method: clinical testing. Allele origin: germline. Affected: yes. Observed: 6 variant alleles.
Comment: NF2: BP4, BP7

Labcorp Genetics (formerly Invitae), Labcorp
Classification: Likely benign for Neurofibromatosis, type 2. Last evaluated: 2026-01-28. Review status: criteria provided, single submitter. Criteria: Invitae Variant Classification Sherloc (09022015). Collection method: clinical testing. Allele origin: germline.

Color Diagnostics, LLC DBA Color Health
Classification: Likely benign for Neurofibromatosis, type 2. Last evaluated: 2025-05-20. Review status: criteria provided, single submitter. Criteria: ACMG Guidelines, 2015. Collection method: clinical testing. Allele origin: germline.

Center for Genomic Medicine, Rigshospitalet, Copenhagen University Hospital
Classification: Likely benign. Last evaluated: 2025-03-04. Review status: criteria provided, single submitter. Criteria: ACMG Guidelines, 2015. Collection method: clinical testing. Allele origin: germline.

Blueprint Genetics
Classification: Likely benign. Last evaluated: 2024-10-30. Review status: criteria provided, single submitter. Criteria: ACMG Guidelines, 2015. Collection method: clinical testing. Allele origin: germline.

KCCC/NGS Laboratory, Kuwait Cancer Control Center
Classification: Likely benign for Neurofibromatosis, type 2. Last evaluated: 2023-07-07. Review status: criteria provided, single submitter. Criteria: ACMG Guidelines, 2015. Collection method: clinical testing. Allele origin: germline. Affected: yes.

Ambry Genetics
Classification: Likely benign for Hereditary cancer-predisposing syndrome. Last evaluated: 2017-08-14. Review status: criteria provided, single submitter. Criteria: Ambry Variant Classification Scheme 2023. Collection method: clinical testing. Allele origin: germline.

NM_000268.4(NF2):c.1206C>T (p.Ala402=)

Gene: NF2 (NF2, moesin-ezrin-radixin like (MERLIN) tumor suppressor; plus strand). Cytogenetic location: 22q12.2.
Variant type: single nucleotide variant.
Coding change: c.1206C>T on transcript NM_000268.4 (MANE Select); coding-DNA position 1206, C replaced by T.
Protein change: p.Ala402=; no amino-acid change (alanine 402 retained).
Molecular consequence: synonymous variant. On other transcripts: non-coding transcript variant (1), intron variant (1).
Genome position (GRCh38, 1-based): chr22:29,673,352, C>T. VCF-style: chr22-29673352-C-T. GRCh37 (hg19) VCF-style: chr22-30069341-C-T.
Other names: c.1206C>T, p.Ala402= (NM_016418.5, NM_181825.3, NM_181832.3); c.1080C>T, p.Ala360= (NM_181828.3); c.1083C>T, p.Ala361= (NM_181829.3); c.957C>T, p.Ala319= (NM_181830.3, NM_181831.3); c.448-21400C>T (NM_181833.3).
Identifiers: ClinVar variation 485980 (VCV000485980.54), dbSNP rs137953976, ClinGen allele CA037241.